The following is an entry in ClinVar:

NM_022166.4(XYLT1):c.1717G>A (p.Gly573Ser)

Genes: XYLT1 (xylosyltransferase 1; minus strand), LOC102723692 (uncharacterized LOC102723692; plus strand). Cytogenetic location: 16p12.3.
Variant type: single nucleotide variant.
Coding change: c.1717G>A on transcript NM_022166.4 (MANE Select); coding-DNA position 1717, G replaced by A.
Protein change: p.Gly573Ser; replaces glycine 573 with serine.
Molecular consequence: missense variant. On other transcripts: non-coding transcript variant (1).
Genome position (GRCh38, 1-based): chr16:17,138,402, C>T on the plus strand (G>A on the coding strand, the complement: XYLT1 is on the minus strand). VCF-style: chr16-17138402-C-T. GRCh37 (hg19) VCF-style: chr16-17232259-C-T.
Other names: c.1717G>A (NM_022166.3); short protein forms G573S.
Identifiers: ClinVar variation 1355317 (VCV001355317.5), dbSNP rs147101412, ClinGen allele CA7927811.

ClinVar aggregate classification (germline): Uncertain significance. Review status: criteria provided, multiple submitters, no conflicts (2 of 4 stars). 2 submissions from 2 submitters: Uncertain significance (2). Last evaluated 2023-02-15.

Conditions:
Inborn genetic diseases. Identifiers: MedGen C0950123, MeSH D030342.
Desbuquois dysplasia 1 (DBQD1). Also called: MICROMELIC DWARFISM WITH VERTEBRAL AND METAPHYSEAL ABNORMALITIES AND ADVANCED CARPOTARSAL OSSIFICATION; DESBUQUOIS DYSPLASIA 1, KIM VARIANT. Identifiers: Orphanet 1425, MedGen C4012146, MONDO:0009629, OMIM 251450.

Allele frequency attached by ClinVar (database versions not stated): ExAC 0.00004; TOPMed 0.00006; gnomAD exomes 0.00007 and 0.00008; ESP Exome Variant Server 0.00008; gnomAD 0.00010; 1000 Genomes Project 0.00020; 1000 Genomes Project 30x 0.00031.
gnomAD v4.1: 127 of 1,614,084 alleles (0.0079%); highest among the groups gnomAD compares: African/African-American, 0.0093%; no homozygotes.

Submissions (2):

Ambry Genetics
Classification: Uncertain significance for Inborn genetic diseases. Last evaluated: 2023-02-15. Review status: criteria provided, single submitter. Criteria: Ambry Variant Classification Scheme 2023. Collection method: clinical testing. Allele origin: germline.

Labcorp Genetics (formerly Invitae), Labcorp
Classification: Uncertain significance for Desbuquois dysplasia 1. Last evaluated: 2022-10-20. Review status: criteria provided, single submitter. Criteria: Invitae Variant Classification Sherloc (09022015). Collection method: clinical testing. Allele origin: germline.
Comment: This sequence change replaces glycine, which is neutral and non-polar, with serine, which is neutral and polar, at codon 573 of the XYLT1 protein (p.Gly573Ser). In summary, the available evidence is currently insufficient to determine the role of this variant in disease. Therefore, it has been classified as a Variant of Uncertain Significance. Advanced modeling of protein sequence and biophysical properties (such as structural, functional, and spatial information, amino acid conservation, physicochemical variation, residue mobility, and thermodynamic stability) performed at Invitae indicates that this missense variant is expected to disrupt XYLT1 protein function. ClinVar contains an entry for this variant (Variation ID: 1355317). This variant has not been reported in the literature in individuals affected with XYLT1-related conditions. This variant is present in population databases (rs147101412, gnomAD 0.02%).